The following is an entry in ClinVar:

NM_004100.5(EYA4):c.619G>A (p.Gly207Arg)

Gene: EYA4 (EYA transcriptional coactivator and phosphatase 4; plus strand). Cytogenetic location: 6q23.2.
Variant type: single nucleotide variant.
Coding change: c.619G>A on transcript NM_004100.5 (MANE Select); coding-DNA position 619, G replaced by A.
Protein change: p.Gly207Arg; replaces glycine 207 with arginine.
Molecular consequence: missense variant.
Genome position (GRCh38, 1-based): chr6:133,462,659, G>A. VCF-style: chr6-133462659-G-A. GRCh37 (hg19) VCF-style: chr6-133783797-G-A.
Other names: c.457G>A, p.Gly153Arg (NM_001301012.2, NM_001370459.1); c.619G>A, p.Gly207Arg (NM_001301013.2, NM_172105.4); c.550G>A, p.Gly184Arg (NM_001370458.1, NM_172103.4); short protein forms G153R, G184R, G207R.
Identifiers: ClinVar variation 1021289 (VCV001021289.8), dbSNP rs1794501902, ClinGen allele CA365699006.
Genomic context (GRCh38, chr6:133,462,659, plus strand): 5'-ACACATTCAATTTTCTGAACAGATTTGGGTGTGATGTTGCCAGCCATCAAGACAGAGAGT[G>A]GACTTTCCCAAACTCAGTCCCCATTACAGAGTGGCTGCCTCAGTTACAGCCCAGGGTTCT-3'
Protein context (NP_004091.3, residues 197-217): VMLPAIKTES[Gly207Arg]LSQTQSPLQS

ClinVar aggregate classification (germline): Uncertain significance (1 of 4 stars; one submission).

Conditions:
Dilated cardiomyopathy 1J (CMD1J). Also called: CARDIOMYOPATHY, DILATED, WITH SENSORINEURAL HEARING LOSS, AUTOSOMAL DOMINANT. Identifiers: Orphanet 217622, MedGen C1854368, MONDO:0011541, OMIM 605362.

Submission:

Labcorp Genetics (formerly Invitae), Labcorp
Classification: Uncertain significance for Dilated cardiomyopathy 1J. Last evaluated: 2022-03-09. Review status: criteria provided, single submitter. Criteria: Invitae Variant Classification Sherloc (09022015). Collection method: clinical testing. Allele origin: germline.
Comment: This variant has not been reported in the literature in individuals affected with EYA4-related conditions. In summary, the available evidence is currently insufficient to determine the role of this variant in disease. Therefore, it has been classified as a Variant of Uncertain Significance. Algorithms developed to predict the effect of sequence changes on RNA splicing suggest that this variant may disrupt the consensus splice site. Algorithms developed to predict the effect of missense changes on protein structure and function (SIFT, PolyPhen-2, Align-GVGD) all suggest that this variant is likely to be disruptive. ClinVar contains an entry for this variant (Variation ID: 1021289). This variant is not present in population databases (gnomAD no frequency). This sequence change replaces glycine, which is neutral and non-polar, with arginine, which is basic and polar, at codon 207 of the EYA4 protein (p.Gly207Arg).